The following is an entry in ClinVar:

ClinVar aggregate classification (germline): Pathogenic (1 of 4 stars; one submission).

Submission:

Labcorp Genetics (formerly Invitae), Labcorp
Classification: Pathogenic. Last evaluated: 2023-03-14. Review status: criteria provided, single submitter. Criteria: Invitae Variant Classification Sherloc (09022015). Collection method: clinical testing. Allele origin: germline.
Comment: This variant has not been reported in the literature in individuals affected with TBCE-related conditions. For these reasons, this variant has been classified as Pathogenic. This variant is not present in population databases (gnomAD no frequency). This sequence change creates a premature translational stop signal (p.Glu432Asnfs*10) in the TBCE gene. It is expected to result in an absent or disrupted protein product. Loss-of-function variants in TBCE are known to be pathogenic (PMID: 27666369, 34134906, 34356170).

Literature cited by the submitters: PubMed 27666369; PubMed 34134906; PubMed 34356170.

NM_003193.5(TBCE):c.1294del (p.Glu432fs)

Genes: B3GALNT2 (beta-1,3-N-acetylgalactosaminyltransferase 2; minus strand), TBCE (tubulin folding cofactor E; plus strand). Cytogenetic location: 1q42.3.
Variant type: Deletion.
Coding change: c.1294del on transcript NM_003193.5 (MANE Select); coding-DNA position 1294, one base deleted (G; older notation c.1294delG).
Protein change: p.Glu432fs; shifts the reading frame from glutamic acid 432.
Molecular consequence: frameshift variant.
Genome position (GRCh38, 1-based): chr1:235,441,837, G deleted; the last of 3 consecutive G bases (chr1:235,441,835-235,441,837); deleting any one gives the same sequence. VCF-style (leftmost placement, unchanged base first): chr1-235441834-TG-T. GRCh37 (hg19) VCF-style: chr1-235605149-TG-T.
Other names: c.1294del, p.Glu432fs (NM_001079515.3); c.1447del, p.Glu483fs (NM_001287801.2); c.955del, p.Glu319fs (NM_001287802.2); short protein forms E432fs, E319fs, E483fs.
Identifiers: ClinVar variation 2834401 (VCV002834401.3), dbSNP rs2527071591, ClinGen allele CA2739273971.